The following is an entry in ClinVar:

ClinVar aggregate classification (germline): Likely benign. Review status: criteria provided, multiple submitters, no conflicts (2 of 4 stars). 4 submissions from 4 submitters: Likely benign (4). Last evaluated 2025-12-13.

Conditions:
Cardiovascular phenotype. Identifiers: MedGen CN230736.
Catecholaminergic polymorphic ventricular tachycardia (CVPT). Also called: Catecholamine-induced polymorphic ventricular tachycardia. Identifiers: Orphanet 3286, MedGen C5574922, MONDO:0017990.
Cardiomyopathy (CMYO). Also called: Cardiomyopathies. Identifiers: Orphanet 167848, MedGen C0878544, MONDO:0004994, HP:0001638. Inheritance: Various modes of inheritance.
Catecholaminergic polymorphic ventricular tachycardia 1. Also called: VENTRICULAR TACHYCARDIA, CATECHOLAMINERGIC POLYMORPHIC, 1, WITH OR WITHOUT ATRIAL DYSFUNCTION AND/OR DILATED CARDIOMYOPATHY; RYR2-Related Catecholaminergic Polymorphic Ventricular Tachycardia; VENTRICULAR TACHYCARDIA, STRESS-INDUCED POLYMORPHIC 1. Identifiers: Orphanet 3286, MedGen C1631597, MONDO:0011484, OMIM 604772.

Allele frequency attached by ClinVar (database versions not stated): gnomAD exomes 0.00002; ExAC 0.00005; gnomAD 0.00006 and 0.00007; TOPMed 0.00008; 1000 Genomes Project 0.00060; 1000 Genomes Project 30x 0.00062.
gnomAD v4.1: 13 of 1,613,634 alleles (0.00081%); highest among the groups gnomAD compares: Admixed American, 0.015%; no homozygotes.

Submissions (4):

Labcorp Genetics (formerly Invitae), Labcorp
Classification: Likely benign for Catecholaminergic polymorphic ventricular tachycardia 1. Last evaluated: 2025-12-13. Review status: criteria provided, single submitter. Criteria: Invitae Variant Classification Sherloc (09022015). Collection method: clinical testing. Allele origin: germline.

All of Us Research Program, National Institutes of Health
Classification: Likely benign for Catecholaminergic polymorphic ventricular tachycardia. Last evaluated: 2023-11-30. Review status: criteria provided, single submitter. Criteria: ACMG Guidelines, 2015. Collection method: clinical testing. Allele origin: germline. Inheritance: Autosomal dominant inheritance. Observed: 4 variant alleles, 4 heterozygotes.
Comment: This study involves interpretation of variants in research participants for the purpose of population health screening. Participant phenotype was not available at the time of variant classification. Additional details can be found in publication PMID: 35346344, PMCID: PMC8962531

Ambry Genetics
Classification: Likely benign for Cardiovascular phenotype. Last evaluated: 2022-09-28. Review status: criteria provided, single submitter. Criteria: Ambry Variant Classification Scheme 2023. Collection method: clinical testing. Allele origin: germline.

Color Diagnostics, LLC DBA Color Health
Classification: Likely benign for Cardiomyopathy. Last evaluated: 2019-08-14. Review status: criteria provided, single submitter. Criteria: ACMG Guidelines, 2015. Collection method: clinical testing. Allele origin: germline.

NM_001035.3(RYR2):c.7149C>T (p.His2383=)

Gene: RYR2 (ryanodine receptor 2; plus strand). Cytogenetic location: 1q43.
Variant type: single nucleotide variant.
Coding change: c.7149C>T on transcript NM_001035.3 (MANE Select); coding-DNA position 7149, C replaced by T.
Protein change: p.His2383=; no amino-acid change (histidine 2383 retained).
Molecular consequence: synonymous variant.
Genome position (GRCh38, 1-based): chr1:237,640,930, C>T. VCF-style: chr1-237640930-C-T. GRCh37 (hg19) VCF-style: chr1-237804230-C-T.
Other names: c.7149C>T (NM_001035.2).
Identifiers: ClinVar variation 924357 (VCV000924357.15), dbSNP rs183606632, ClinGen allele CA087310.
Genomic context (GRCh38, chr1:237,640,930, plus strand): 5'-CTCTTTCTTTTGAAACATTCATGAAAGTGACACAGAGGAGGAGGAAGATGACACTATCCA[C>T]ATGGGGAACGCGATCATGACCTTCTATTCAGCTTTGATTGACCTCTTGGGACGCTGTGCT-3'
Protein context (NP_001026.2, residues 2373-2393): DTEEEEDDTI[His2383=]MGNAIMTFYS